The following is an entry in ClinVar:

ClinVar aggregate classification (germline): Uncertain significance (1 of 4 stars; one submission).

Conditions:
Neurodevelopmental disorder with hypotonia, language delay, and skeletal defects with or without seizures (NEDHLSS). Identifiers: MedGen C5774213, MONDO:0859286, OMIM 620029.

Submission:

3billion
Classification: Uncertain significance for Neurodevelopmental disorder with hypotonia, language delay, and skeletal defects with or without seizures. Last evaluated: 2025-08-21. Review status: criteria provided, single submitter. Criteria: ACMG Guidelines, 2015. Collection method: clinical testing. Allele origin: germline. Affected: yes.
Comment: The variant is not observed in the gnomAD v4.1.0 dataset. Predicted Consequence/Location: Missense variant. Missense changes are a common disease-causing mechanism. In silico tool predictions suggest damaging effect of the variant on gene or gene product [REVEL: 0.94 (>=0.6, sensitivity 0.68 and specificity 0.92); 3Cnet: 0.99 (> 0.75, sensitivity 0.96 and precision 0.92)]. Therefore, this variant is classified as VUS according to the recommendation of ACMG/AMP guideline.

NM_000719.7(CACNA1C):c.598T>C (p.Phe200Leu)

Gene: CACNA1C (calcium voltage-gated channel subunit alpha1 C; plus strand). Cytogenetic location: 12p13.33.
Variant type: single nucleotide variant.
Coding change: c.598T>C on transcript NM_000719.7 (MANE Select); coding-DNA position 598, T replaced by C.
Protein change: p.Phe200Leu; replaces phenylalanine 200 with leucine.
Molecular consequence: missense variant.
Genome position (GRCh38, 1-based): chr12:2,449,096, T>C. VCF-style: chr12-2449096-T-C. GRCh37 (hg19) VCF-style: chr12-2558262-T-C.
Other names: c.598T>C, p.Phe200Leu (NM_001129827.2, NM_001129829.2, NM_001129830.3 and 19 more transcripts); short protein forms F200L.
Identifiers: ClinVar variation 4856154 (VCV004856154.1).